The following is an entry in ClinVar:

ClinVar aggregate classification (germline): Uncertain significance. Review status: criteria provided, single submitter (1 of 4 stars). 2 submissions from 2 submitters: Uncertain significance (1). 1 of the submissions does not count toward it. Last evaluated 2025-12-23.

Conditions:
Fanconi anemia complementation group D2. Also called: FANCD2-Related Fanconi Anemia; FANCONI PANCYTOPENIA, TYPE 4; FANCONI ANEMIA, COMPLEMENTATION GROUP D. Identifiers: Orphanet 84, MedGen C3160738, MONDO:0009214, OMIM 227646.
Fanconi anemia (FA). Also called: Fanconi's anemia. Identifiers: Orphanet 84, MedGen C0015625, MeSH D005199, MONDO:0019391.

Submissions (2):

Labcorp Genetics (formerly Invitae), Labcorp
Classification: Uncertain significance for Fanconi anemia. Last evaluated: 2025-12-23. Review status: criteria provided, single submitter. Criteria: Invitae Variant Classification Sherloc (09022015). Collection method: clinical testing. Allele origin: germline.
Comment: This variant, c.813_815del, results in the deletion of 1 amino acid(s) of the FANCD2 protein (p.Ser272del), but otherwise preserves the integrity of the reading frame. This variant is present in population databases (rs748327074, gnomAD 0.0009%). This variant has been observed in individual(s) with Fanconi anemia (PMID: 17436244). This variant is also known as c.810_812delGTC. ClinVar contains an entry for this variant (Variation ID: 929648). Experimental studies and prediction algorithms are not available or were not evaluated, and the functional significance of this variant is currently unknown. In summary, the available evidence is currently insufficient to determine the role of this variant in disease. Therefore, it has been classified as a Variant of Uncertain Significance.

Leiden Open Variation Database
Classification: Pathogenic for Fanconi anemia complementation group D2. Last evaluated: 2020-02-28. Review status: no assertion criteria provided. Collection method: curation. Allele origin: germline. Affected: yes. Not counted in ClinVar's aggregate classification.
Comment: Curator: Arleen D. Auerbach. Submitter to LOVD: Arleen D. Auerbach.

Literature cited by the submitters: PubMed 17436244 (cited by Labcorp Genetics (formerly Invitae), Labcorp and Leiden Open Variation Database).

NM_001018115.3(FANCD2):c.810GTC[1] (p.Ser272del)

Genes: FANCD2 (FA complementation group D2; plus strand), LOC107303338 (3p25 FANCD2 Alu-mediated recombination region; plus strand). Cytogenetic location: 3p25.3.
Variant type: Microsatellite.
Coding change: c.810GTC[1] on transcript NM_001018115.3 (MANE Select); one copy of the 3-base unit GTC starting at c.810; the reference has two copies in a row; one copy, 3 bases deleted.
Protein change: p.Ser272del; deletes serine 272.
Molecular consequence: inframe deletion.
Genome position (GRCh38, 1-based): chr3:10,042,588-10,042,590, GTC deleted; deleting any 3 consecutive bases within chr3:10,042,585-10,042,590 gives the same sequence; the position shown is the placement nearest the transcript's 3' end. VCF-style (leftmost placement, unchanged base first): chr3-10042584-TGTC-T. GRCh37 (hg19) VCF-style: chr3-10084268-TGTC-T.
Other names: c.810GTC[1], p.Ser272del (NM_001319984.2, NM_001374253.1, NM_001374254.1 and 1 more transcripts); short protein forms S272del.
Identifiers: ClinVar variation 929648 (VCV000929648.5), dbSNP rs748327074, ClinGen allele CA2249375.